The following is an entry in ClinVar:

NM_000368.5(TSC1):c.989T>G (p.Leu330Arg)

Gene: TSC1 (TSC complex subunit 1; minus strand). Cytogenetic location: 9q34.13.
Variant type: single nucleotide variant.
Coding change: c.989T>G on transcript NM_000368.5 (MANE Select); coding-DNA position 989, T replaced by G.
Protein change: p.Leu330Arg; replaces leucine 330 with arginine.
Molecular consequence: missense variant.
Genome position (GRCh38, 1-based): chr9:132,911,493, A>C on the plus strand (T>G on the coding strand, the complement: TSC1 is on the minus strand). VCF-style: chr9-132911493-A-C. GRCh37 (hg19) VCF-style: chr9-135786880-A-C.
Other names: c.989T>G, p.Leu330Arg (NM_001162426.2); c.836T>G, p.Leu279Arg (NM_001162427.2); c.626T>G, p.Leu209Arg (NM_001362177.2); c.989T>G (NM_000368.4); short protein forms L209R, L279R, L330R.
Identifiers: ClinVar variation 1421705 (VCV001421705.9), dbSNP rs1588324325, ClinGen allele CA375368602.

ClinVar aggregate classification (germline): Uncertain significance. Review status: criteria provided, multiple submitters, no conflicts (2 of 4 stars). 2 submissions from 2 submitters: Uncertain significance (2). Last evaluated 2023-10-27.

Conditions:
Tuberous sclerosis 1 (TSC1). Identifiers: Orphanet 805, MedGen C1854465, MONDO:0008612, OMIM 191100.
Hereditary cancer-predisposing syndrome. Also called: Hereditary neoplastic syndrome; Tumor predisposition; Hereditary Cancer Syndrome; Neoplastic Syndromes, Hereditary. Identifiers: Orphanet 140162, MedGen C0027672, MeSH D009386, MONDO:0015356.

Submissions (2):

Ambry Genetics
Classification: Uncertain significance for Hereditary cancer-predisposing syndrome. Last evaluated: 2023-10-27. Review status: criteria provided, single submitter. Criteria: Ambry Variant Classification Scheme 2023. Collection method: clinical testing. Allele origin: germline.
Comment: The p.L330R variant (also known as c.989T>G), located in coding exon 8 of the TSC1 gene, results from a T to G substitution at nucleotide position 989. The leucine at codon 330 is replaced by arginine, an amino acid with dissimilar properties. This amino acid position is conserved. In addition, this alteration is predicted to be deleterious by in silico analysis. Since supporting evidence is limited at this time, the clinical significance of this alteration remains unclear.

Labcorp Genetics (formerly Invitae), Labcorp
Classification: Uncertain significance for Tuberous sclerosis 1. Last evaluated: 2021-04-15. Review status: criteria provided, single submitter. Criteria: Invitae Variant Classification Sherloc (09022015). Collection method: clinical testing. Allele origin: germline.
Comment: This variant is not present in population databases (ExAC no frequency). In summary, the available evidence is currently insufficient to determine the role of this variant in disease. Therefore, it has been classified as a Variant of Uncertain Significance. Algorithms developed to predict the effect of missense changes on protein structure and function are either unavailable or do not agree on the potential impact of this missense change (SIFT: "Deleterious"; PolyPhen-2: "Possibly Damaging"; Align-GVGD: "Class C0"). This variant has not been reported in the literature in individuals with TSC1-related conditions. This sequence change replaces leucine with arginine at codon 330 of the TSC1 protein (p.Leu330Arg). The leucine residue is highly conserved and there is a moderate physicochemical difference between leucine and arginine.